The following is an entry in ClinVar:

NM_004563.4(PCK2):c.1916A>G (p.Lys639Arg)

Genes: NRL (neural retina leucine zipper; minus strand), PCK2 (phosphoenolpyruvate carboxykinase 2, mitochondrial; plus strand). Cytogenetic location: 14q12.
Variant type: single nucleotide variant.
Coding change: c.1916A>G on transcript NM_004563.4 (MANE Select); coding-DNA position 1916, A replaced by G.
Protein change: p.Lys639Arg; replaces lysine 639 with arginine.
Molecular consequence: missense variant. On other transcripts: intron variant (3).
Genome position (GRCh38, 1-based): chr14:24,103,957, A>G. VCF-style: chr14-24103957-A-G. GRCh37 (hg19) VCF-style: chr14-24573166-A-G.
Other names: c.1514A>G, p.Lys505Arg (NM_001291556.2, NM_001308054.2); c.-28+10765T>C (NM_001354768.3, NM_001354770.2); c.-254+10765T>C (NM_006177.5); short protein forms K639R, K505R.
Identifiers: ClinVar variation 1987342 (VCV001987342.4), dbSNP rs758763224, ClinGen allele CA7123668.

ClinVar aggregate classification (germline): Uncertain significance (1 of 4 stars; one submission).

Allele frequency attached by ClinVar (database versions not stated): gnomAD exomes 0.00001; TOPMed 0.00001; ExAC 0.00002.
gnomAD v4.1: 11 of 1,612,632 alleles (0.00068%); highest among the groups gnomAD compares: Non-Finnish European, 0.00093%; no homozygotes.

Submission:

Labcorp Genetics (formerly Invitae), Labcorp
Classification: Uncertain significance. Last evaluated: 2022-10-10. Review status: criteria provided, single submitter. Criteria: Invitae Variant Classification Sherloc (09022015). Collection method: clinical testing. Allele origin: germline.
Comment: This sequence change replaces lysine, which is basic and polar, with arginine, which is basic and polar, at codon 639 of the PCK2 protein (p.Lys639Arg). This variant is present in population databases (rs758763224, gnomAD 0.002%). This variant has not been reported in the literature in individuals affected with PCK2-related conditions. Algorithms developed to predict the effect of missense changes on protein structure and function output the following: SIFT: "Tolerated"; PolyPhen-2: "Benign"; Align-GVGD: "Class C0". The arginine amino acid residue is found in multiple mammalian species, which suggests that this missense change does not adversely affect protein function. In summary, the available evidence is currently insufficient to determine the role of this variant in disease. Therefore, it has been classified as a Variant of Uncertain Significance.